The following is an entry in ClinVar:

NM_030973.4(MED25):c.787C>A (p.Gln263Lys)

Gene: MED25 (mediator complex subunit 25; plus strand). Cytogenetic location: 19q13.33.
Variant type: single nucleotide variant.
Coding change: c.787C>A on transcript NM_030973.4 (MANE Select); coding-DNA position 787, C replaced by A.
Protein change: p.Gln263Lys; replaces glutamine 263 with lysine.
Molecular consequence: missense variant.
Genome position (GRCh38, 1-based): chr19:49,830,186, C>A. VCF-style: chr19-49830186-C-A. GRCh37 (hg19) VCF-style: chr19-50333443-C-A.
Other names: c.787C>A, p.Gln263Lys (NM_001378355.1); short protein forms Q263K.
Identifiers: ClinVar variation 1942491 (VCV001942491.2), dbSNP rs765215168, ClinGen allele CA9585008.
Genomic context (GRCh38, chr19:49,830,186, plus strand): 5'-CAGCCAGTCCCCCTGCCTCCCGCCGCACCCTCAGGTGCCACTCTCTCAGCAGCCCCCCAG[C>A]AGCCTCTGCCCCCCGTCCCCCCGCAGTACCAGGTATGGATATTTCCGGGAAGGGACATGC-3'
Protein context (NP_112235.2, residues 253-273): SGATLSAAPQ[Gln263Lys]PLPPVPPQYQ

ClinVar aggregate classification (germline): Uncertain significance (1 of 4 stars; one submission).

Conditions:
Charcot-Marie-Tooth disease type 2. Also called: Charcot-Marie-Tooth type 2. Identifiers: Orphanet 64746, MedGen C0270914, MONDO:0018993.

Allele frequency attached by ClinVar (database versions not stated): TOPMed 0.00002; gnomAD exomes 0.00001; ExAC 0.00001; gnomAD 0.00001.
gnomAD v4.1: 16 of 1,604,222 alleles (0.001%); highest among the groups gnomAD compares: Admixed American, 0.015%; no homozygotes.

Submission:

Labcorp Genetics (formerly Invitae), Labcorp
Classification: Uncertain significance for Charcot-Marie-Tooth disease type 2. Last evaluated: 2022-08-21. Review status: criteria provided, single submitter. Criteria: Invitae Variant Classification Sherloc (09022015). Collection method: clinical testing. Allele origin: germline.
Comment: This sequence change replaces glutamine, which is neutral and polar, with lysine, which is basic and polar, at codon 263 of the MED25 protein (p.Gln263Lys). This variant is present in population databases (rs765215168, gnomAD 0.02%). This variant has not been reported in the literature in individuals affected with MED25-related conditions. Algorithms developed to predict the effect of missense changes on protein structure and function (SIFT, PolyPhen-2, Align-GVGD) all suggest that this variant is likely to be tolerated. In summary, the available evidence is currently insufficient to determine the role of this variant in disease. Therefore, it has been classified as a Variant of Uncertain Significance.